The following is an entry in ClinVar:

ClinVar aggregate classification (germline): Uncertain significance (1 of 4 stars; one submission).

Conditions:
CNTNAP5-related disorder. Also called: CNTNAP5-related condition.

Submission:

PreventionGenetics, part of Exact Sciences
Classification: Uncertain significance for CNTNAP5-related condition. Last evaluated: 2026-09-11. Review status: criteria provided, single submitter. Criteria: ACMG Guidelines, 2015. Collection method: clinical testing. Allele origin: germline.
Comment: The CNTNAP5 c.2788A>T variant is predicted to result in the amino acid substitution p.Ile930Phe. To our knowledge, this variant has not been reported in the literature or in a large population database (gnomAD), indicating this variant is rare. At this time, the clinical significance of this variant is uncertain due to the absence of conclusive functional and genetic evidence.

NM_001367498.1(CNTNAP5):c.2791A>T (p.Ile931Phe)

Gene: CNTNAP5 (contactin associated protein family member 5; plus strand). Cytogenetic location: 2q14.3.
Variant type: single nucleotide variant.
Coding change: c.2791A>T on transcript NM_001367498.1 (MANE Select); coding-DNA position 2791, A replaced by T.
Protein change: p.Ile931Phe; replaces isoleucine 931 with phenylalanine.
Molecular consequence: missense variant.
Genome position (GRCh38, 1-based): chr2:124,789,940, A>T. VCF-style: chr2-124789940-A-T. GRCh37 (hg19) VCF-style: chr2-125547517-A-T.
Other names: c.2788A>T, p.Ile930Phe (NM_130773.4); short protein forms I931F, I930F.
Identifiers: ClinVar variation 4997796 (VCV004997796.1).